The following is an entry in ClinVar:

ClinVar aggregate classification (germline): Benign (0 of 4 stars; one submission).

Conditions:
KALRN-related disorder. Also called: KALRN-related condition.

Allele frequency attached by ClinVar (database versions not stated): gnomAD exomes 0.08386; ExAC 0.09451; gnomAD 0.10219; ESP Exome Variant Server 0.10226; TOPMed 0.10761; 1000 Genomes Project 0.12081; 1000 Genomes Project 30x 0.12523.
gnomAD v4.1: 138,652 of 1,613,416 alleles (8.6%); highest among the groups gnomAD compares: East Asian, 15%; 6,590 homozygotes.

Submission:

PreventionGenetics, part of Exact Sciences
Classification: Benign for KALRN-related condition. Last evaluated: 2019-11-25. Review status: no assertion criteria provided. Collection method: clinical testing. Allele origin: germline.
Comment: This variant is classified as benign based on ACMG/AMP sequence variant interpretation guidelines (Richards et al. 2015 PMID: 25741868, with internal and published modifications).

NM_001388419.1(KALRN):c.1341C>T (p.Ser447=)

Gene: KALRN (kalirin RhoGEF kinase; plus strand). Cytogenetic location: 3q21.2.
Variant type: single nucleotide variant.
Coding change: c.1341C>T on transcript NM_001388419.1 (MANE Select); coding-DNA position 1341, C replaced by T.
Protein change: p.Ser447=; no amino-acid change (serine 447 retained).
Molecular consequence: synonymous variant.
Genome position (GRCh38, 1-based): chr3:124,329,917, C>T. VCF-style: chr3-124329917-C-T. GRCh37 (hg19) VCF-style: chr3-124048764-C-T.
Other names: c.1335C>T, p.Ser445= (NM_001024660.5, NM_001322988.2, NM_001322989.2 and 4 more transcripts); c.1341C>T, p.Ser447= (NM_001388417.1, NM_001388418.1).
Identifiers: ClinVar variation 3057229 (VCV003057229.2), dbSNP rs2276740, ClinGen allele CA2579158.